The following is an entry in ClinVar:

NM_001365999.1(SZT2):c.10216C>A (p.Pro3406Thr)

Gene: SZT2 (SZT2 subunit of KICSTOR complex; plus strand). Cytogenetic location: 1p34.2.
Variant type: single nucleotide variant.
Coding change: c.10216C>A on transcript NM_001365999.1 (MANE Select); coding-DNA position 10216, C replaced by A.
Protein change: p.Pro3406Thr; replaces proline 3406 with threonine.
Molecular consequence: missense variant.
Genome position (GRCh38, 1-based): chr1:43,450,397, C>A. VCF-style: chr1-43450397-C-A. GRCh37 (hg19) VCF-style: chr1-43916068-C-A.
Other names: c.10045C>A, p.Pro3349Thr (NM_015284.4); c.1657C>A, p.Pro553Thr (NM_024547.1); short protein forms P3349T, P3406T, P553T.
Identifiers: ClinVar variation 1777173 (VCV001777173.5), dbSNP rs1185160520, ClinGen allele CA339975041.

ClinVar aggregate classification (germline): Uncertain significance. Review status: criteria provided, multiple submitters, no conflicts (2 of 4 stars). 3 submissions from 3 submitters: Uncertain significance (3). Last evaluated 2023-04-11.

Conditions:
Inborn genetic diseases. Identifiers: MedGen C0950123, MeSH D030342.
Developmental and epileptic encephalopathy, 18 (DEE18). Also called: Early infantile epileptic encephalopathy 18. Identifiers: Orphanet 369894, MedGen C3809624, MONDO:0014201, OMIM 615476.

Submissions (3):

Genome-Nilou Lab
Classification: Uncertain significance for Developmental and epileptic encephalopathy, 18. Last evaluated: 2023-04-11. Review status: criteria provided, single submitter. Criteria: ACMG Guidelines, 2015. Collection method: clinical testing. Allele origin: germline. Affected: no.

Labcorp Genetics (formerly Invitae), Labcorp
Classification: Uncertain significance. Last evaluated: 2022-02-22. Review status: criteria provided, single submitter. Criteria: Invitae Variant Classification Sherloc (09022015). Collection method: clinical testing. Allele origin: germline.
Comment: This sequence change replaces proline, which is neutral and non-polar, with threonine, which is neutral and polar, at codon 3349 of the SZT2 protein (p.Pro3349Thr). This variant is not present in population databases (gnomAD no frequency). This variant has not been reported in the literature in individuals affected with SZT2-related conditions. Algorithms developed to predict the effect of missense changes on protein structure and function are either unavailable or do not agree on the potential impact of this missense change (SIFT: "Tolerated"; PolyPhen-2: "Probably Damaging"; Align-GVGD: "Class C0"). In summary, the available evidence is currently insufficient to determine the role of this variant in disease. Therefore, it has been classified as a Variant of Uncertain Significance.

Ambry Genetics
Classification: Uncertain significance for Inborn genetic diseases. Last evaluated: 2020-09-09. Review status: criteria provided, single submitter. Criteria: Ambry Variant Classification Scheme 2023. Collection method: clinical testing. Allele origin: germline.
Comment: The p.P3349T variant (also known as c.10045C>A), located in coding exon 71 of the SZT2 gene, results from a C to A substitution at nucleotide position 10045. The proline at codon 3349 is replaced by threonine, an amino acid with highly similar properties. This amino acid position is highly conserved in available vertebrate species. In addition, this alteration is predicted to be tolerated by in silico analysis. Since supporting evidence is limited at this time, the clinical significance of this alteration remains unclear.